The following is an entry in ClinVar:

ClinVar aggregate classification (germline): Uncertain significance. Review status: criteria provided, multiple submitters, no conflicts (2 of 4 stars). 3 submissions from 3 submitters: Uncertain significance (3). Last evaluated 2026-09-02.

Conditions:
Congenital microcephaly - severe encephalopathy - progressive cerebral atrophy syndrome. Also called: ASNS DEFICIENCY; Asparagine synthetase deficiency. Identifiers: Orphanet 391376, MedGen C3809971, MONDO:0014258, OMIM 615574.

Submissions (3):

Myriad Genetics, Inc.
Classification: Uncertain significance for Congenital microcephaly - severe encephalopathy - progressive cerebral atrophy syndrome. Last evaluated: 2026-09-02. Review status: criteria provided, single submitter. Criteria: Myriad Autosomal Dominant, Autosomal Recessive and X-Linked Classification Criteria (2023). Collection method: clinical testing. Allele origin: unknown.
Comment: NM_001673.4(ASNS):c.238_240dupAAC(N80dup) is an in-frame insertion classified as a variant of uncertain significance in the context of asparagine synthetase deficiency. N80dup has not been observed in cases with relevant disease. Relevant functional assessments of this variant are not available in the literature. N80dup has not been observed in referenced population frequency databases. In summary, there is insufficient evidence to classify NM_001673.4(ASNS):c.238_240dupAAC(N80dup) as pathogenic or benign. Please note: this variant was assessed in the context of healthy population screening.

Labcorp Genetics (formerly Invitae), Labcorp
Classification: Uncertain significance. Last evaluated: 2021-12-08. Review status: criteria provided, single submitter. Criteria: Invitae Variant Classification Sherloc (09022015). Collection method: clinical testing. Allele origin: germline.
Comment: This variant, c.238_240dup, results in the insertion of 1 amino acid(s) of the ASNS protein (p.Asn80dup), but otherwise preserves the integrity of the reading frame. This variant is not present in population databases (gnomAD no frequency). This variant has not been reported in the literature in individuals affected with ASNS-related conditions. ClinVar contains an entry for this variant (Variation ID: 453216). In summary, the available evidence is currently insufficient to determine the role of this variant in disease. Therefore, it has been classified as a Variant of Uncertain Significance.

GeneDx
Classification: Uncertain significance. Last evaluated: 2017-11-08. Review status: criteria provided, single submitter. Criteria: GeneDx Variant Classification (06012015). Collection method: clinical testing. Allele origin: germline. Affected: yes.
Comment: The c.238_240dupAAC variant has not been published as a pathogenic variant, nor has it been reported as a benign variant to our knowledge. The c.238_240dupAAC variant is not observed in large population cohorts (Lek et al., 2016). The c.238_240dupAAC variant results in an in-frame duplication of a single Asparagine residue, denoted p.Asn80dup. However, in-frame deletions and duplications have not been reported in the Human Gene Mutation Database in association with asparagine synthetase deficiency (Stenson et al., 2014). Therefore, based on the currently available information, it is unclear whether this variant is a pathogenic variant or a rare benign variant.

NM_001673.5(ASNS):c.238_240dup (p.Asn80dup)

Genes: ASNS (asparagine synthetase (glutamine-hydrolyzing); minus strand), CZ1P-ASNS (CZ1P-ASNS readthrough; minus strand). Cytogenetic location: 7q21.3.
Variant type: Duplication.
Coding change: c.238_240dup on transcript NM_001673.5 (MANE Select); coding-DNA positions 238 to 240, 3 bases duplicated (AAC; older notation c.238_240dupAAC).
Protein change: p.Asn80dup; duplicates asparagine 80.
Molecular consequence: inframe insertion. On other transcripts: non-coding transcript variant (1), intron variant (2).
Genome position (GRCh38, 1-based): chr7:97,868,917-97,868,919, GTT duplicated on the plus strand (AAC on the coding strand, the reverse complement: ASNS is on the minus strand); duplicating any 3 consecutive bases within chr7:97,868,917-97,868,921 gives the same sequence; the c. name uses the placement nearest the transcript's 3' end. VCF-style (leftmost placement, unchanged base first): chr7-97868916-G-GGTT. GRCh37 (hg19) VCF-style: chr7-97498228-G-GGTT.
Other names: c.238_240dupAAC (NM_133436.3); c.175_177dup, p.Asn59dup (NM_001178075.2); c.238_240dup, p.Asn80dup (NM_001352496.2, NM_133436.3, NM_183356.4); c.-1+3432_-1+3434dup (NM_001178076.2); c.-1+3122_-1+3124dup (NM_001178077.1).
Identifiers: ClinVar variation 453216 (VCV000453216.5), dbSNP rs1031149038, ClinGen allele CA163035845.